The following is an entry in ClinVar:

NM_002900.3(RBP3):c.336A>C (p.Glu112Asp)

Gene: RBP3 (retinol binding protein 3; plus strand). Cytogenetic location: 10q11.22.
Variant type: single nucleotide variant.
Coding change: c.336A>C on transcript NM_002900.3 (MANE Select); coding-DNA position 336, A replaced by C.
Protein change: p.Glu112Asp; replaces glutamic acid 112 with aspartic acid.
Molecular consequence: missense variant.
Genome position (GRCh38, 1-based): chr10:47,348,820, A>C. VCF-style: chr10-47348820-A-C. GRCh37 (hg19) VCF-style: chr10-48390542-T-G.
Other names: short protein forms E112D.
Identifiers: ClinVar variation 854333 (VCV000854333.7), dbSNP rs782635160, ClinGen allele CA5487810.

ClinVar aggregate classification (germline): Uncertain significance (1 of 4 stars; one submission).

Allele frequency attached by ClinVar (database versions not stated): ExAC 0.00001; TOPMed 0.00001; gnomAD 0.00001.
gnomAD v4.1: 71 of 1,613,696 alleles (0.0044%); highest among the groups gnomAD compares: Non-Finnish European, 0.0058%; no homozygotes.

Submission:

Labcorp Genetics (formerly Invitae), Labcorp
Classification: Uncertain significance. Last evaluated: 2022-03-10. Review status: criteria provided, single submitter. Criteria: Invitae Variant Classification Sherloc (09022015). Collection method: clinical testing. Allele origin: germline.
Comment: This sequence change replaces glutamic acid, which is acidic and polar, with aspartic acid, which is acidic and polar, at codon 112 of the RBP3 protein (p.Glu112Asp). This variant is present in population databases (rs782635160, gnomAD 0.003%). This variant has not been reported in the literature in individuals affected with RBP3-related conditions. ClinVar contains an entry for this variant (Variation ID: 854333). Algorithms developed to predict the effect of missense changes on protein structure and function are either unavailable or do not agree on the potential impact of this missense change (SIFT: "Tolerated"; PolyPhen-2: "Probably Damaging"; Align-GVGD: "Class C0"). In summary, the available evidence is currently insufficient to determine the role of this variant in disease. Therefore, it has been classified as a Variant of Uncertain Significance.